The following is an entry in ClinVar:

ClinVar aggregate classification (germline): Uncertain significance (1 of 4 stars; one submission).

Submission:

Labcorp Genetics (formerly Invitae), Labcorp
Classification: Uncertain significance. Last evaluated: 2024-10-15. Review status: criteria provided, single submitter. Criteria: Invitae Variant Classification Sherloc (09022015). Collection method: clinical testing. Allele origin: germline.
Comment: This sequence change replaces phenylalanine, which is neutral and non-polar, with valine, which is neutral and non-polar, at codon 258 of the LZTR1 protein (p.Phe258Val). This variant is not present in population databases (gnomAD no frequency). This variant has not been reported in the literature in individuals affected with LZTR1-related conditions. Invitae Evidence Modeling of protein sequence and biophysical properties (such as structural, functional, and spatial information, amino acid conservation, physicochemical variation, residue mobility, and thermodynamic stability) indicates that this missense variant is not expected to disrupt LZTR1 protein function with a negative predictive value of 80%. In summary, the available evidence is currently insufficient to determine the role of this variant in disease. Therefore, it has been classified as a Variant of Uncertain Significance.

NM_006767.4(LZTR1):c.772T>G (p.Phe258Val)

Gene: LZTR1 (leucine zipper like post translational regulator 1; plus strand). Cytogenetic location: 22q11.21.
Variant type: single nucleotide variant.
Coding change: c.772T>G on transcript NM_006767.4 (MANE Select); coding-DNA position 772, T replaced by G.
Protein change: p.Phe258Val; replaces phenylalanine 258 with valine.
Molecular consequence: missense variant.
Genome position (GRCh38, 1-based): chr22:20,990,506, T>G. VCF-style: chr22-20990506-T-G. GRCh37 (hg19) VCF-style: chr22-21344795-T-G.
Other names: short protein forms F258V.
Identifiers: ClinVar variation 3708364 (VCV003708364.2).